The following is an entry in ClinVar:

ClinVar aggregate classification (germline): Pathogenic/Likely pathogenic. Review status: criteria provided, multiple submitters, no conflicts (2 of 4 stars). 10 submissions from 10 submitters: Pathogenic (8); Likely pathogenic (1). 1 of the submissions does not count toward it. Last evaluated 2025-11-25.

Conditions:
Familial adenomatous polyposis 4 (FAP4). Also called: MSH3-related attenuated familial adenomatous polyposis. Identifiers: Orphanet 480536, MedGen C4310719, MONDO:0044300, OMIM 617100.
Endometrial carcinoma. Also called: Endometrial carcinoma, somatic. Identifiers: MedGen C0476089, MONDO:0002447, OMIM 608089, HP:0012114.
Hereditary cancer-predisposing syndrome. Also called: Hereditary Cancer Syndrome; Neoplastic Syndromes, Hereditary; Tumor predisposition; Hereditary neoplastic syndrome. Identifiers: Orphanet 140162, MedGen C0027672, MeSH D009386, MONDO:0015356.

Submissions (10):

Labcorp Genetics (formerly Invitae), Labcorp
Classification: Pathogenic. Last evaluated: 2025-11-25. Review status: criteria provided, single submitter. Criteria: Invitae Variant Classification Sherloc (09022015). Collection method: clinical testing. Allele origin: germline.
Comment: This sequence change creates a premature translational stop signal (p.Tyr921Metfs*36) in the MSH3 gene. It is expected to result in an absent or disrupted protein product. Loss-of-function variants in MSH3 are known to be pathogenic (PMID: 27476653, 37402566). This variant is present in population databases (rs751326348, gnomAD 0.004%). This premature translational stop signal has been observed in individual(s) with colorectal adenomatous polyposis (PMID: 27476653). In at least one individual the data is consistent with being in trans (on the opposite chromosome) from a pathogenic variant. ClinVar contains an entry for this variant (Variation ID: 253324). For these reasons, this variant has been classified as Pathogenic.

Quest Diagnostics Nichols Institute San Juan Capistrano
Classification: Pathogenic. Last evaluated: 2024-10-24. Review status: criteria provided, single submitter. Criteria: Quest Diagnostics criteria. Collection method: clinical testing. Allele origin: unknown.
Comment: The MSH3 c.2760del (p.Tyr921Metfs*36) variant alters the translational reading frame of the MSH3 mRNA and causes the premature termination of MSH3 protein synthesis. This variant has been reported in the published literature as compound heterozygous in an individual with adenomatous polyposis (PMID: 27476653 (2016)). Based on the available information, this variant is classified as pathogenic.

GeneDx
Classification: Pathogenic. Last evaluated: 2024-08-07. Review status: criteria provided, single submitter. Criteria: GeneDx Variant Classification Process June 2021. Collection method: clinical testing. Allele origin: germline. Affected: yes.
Comment: Frameshift variant predicted to result in protein truncation or nonsense mediated decay in a gene for which loss of function is a known mechanism of disease; Not observed at significant frequency in large population cohorts (gnomAD); This variant is associated with the following publications: (PMID: 31589614, 34843512, 27476653)

Baylor Genetics
Classification: Pathogenic for Endometrial carcinoma. Last evaluated: 2024-02-21. Review status: criteria provided, single submitter. Criteria: ACMG Guidelines, 2015. Collection method: clinical testing. Allele origin: unknown.

Fulgent Genetics
Classification: Pathogenic for Endometrial carcinoma; Familial adenomatous polyposis 4. Last evaluated: 2024-01-27. Review status: criteria provided, single submitter. Criteria: ACMG Guidelines, 2015. Collection method: clinical testing. Allele origin: germline.

Myriad Genetics, Inc.
Classification: Pathogenic for Familial adenomatous polyposis 4. Last evaluated: 2023-08-31. Review status: criteria provided, single submitter. Criteria: Myriad Autosomal Dominant, Autosomal Recessive and X-Linked Classification Criteria (2023). Collection method: clinical testing. Allele origin: unknown.
Comment: This variant is considered pathogenic. This variant creates a frameshift predicted to result in premature protein truncation.

Ambry Genetics
Classification: Pathogenic for Hereditary cancer-predisposing syndrome. Last evaluated: 2023-08-03. Review status: criteria provided, single submitter. Criteria: Ambry Variant Classification Scheme 2023. Collection method: clinical testing. Allele origin: germline.
Comment: The c.2760delC variant, located in coding exon 20 of the MSH3 gene, results from a deletion of one nucleotide at nucleotide position 2760, causing a translational frameshift with a predicted alternate stop codon (p.Y921Mfs*36). This mutation has been reported in conjunction with a validated splicing mutation in MSH3 in two siblings affected with colorectal polyps. Additionally, tumor testing showed that this alteration was associated with high microsatellite instabilityof di- and tetranucleotides (EMAST), and immunohistochemistry illustrated complete loss of nuclear MSH3 in normal and tumor tissue (Adam R et al. Am. J. Hum. Genet., 2016 Aug;99:337-51). This variant is considered to be rare based on population cohorts in the Genome Aggregation Database (gnomAD). In addition to the clinical data presented in the literature, this alteration is expected to result in loss of function by premature protein truncation or nonsense-mediated mRNA decay. As such, this alteration is interpreted as a disease-causing mutation.

Institute for Clinical Genetics, University Hospital TU Dresden, University Hospital TU Dresden
Classification: Pathogenic. Last evaluated: 2021-11-03. Review status: criteria provided, single submitter. Criteria: ACMG Guidelines, 2015. Collection method: clinical testing. Allele origin: germline.

Sema4
Classification: Likely pathogenic for Hereditary cancer-predisposing syndrome. Last evaluated: 2021-08-19. Review status: criteria provided, single submitter. Criteria: Sema4 Curation Guidelines. Collection method: curation. Allele origin: germline.
Comment: The MSH3 c.2760delC p.Y921MfsX36 variant has been reported as compound heterozygous in at least 1 individual with adenomatous polyposis (PMID: 27476653) and in 1 individual with unknown disease status in a large scale preconception carrier screening (PMID 31589614). This variant causes a frameshift at amino acid 921 that results in premature termination 36 amino acids downstream. This variant is predicted to cause loss of normal protein function either through protein truncation or nonsense-mediated mRNA decay. Loss of function variants in MSH3 are known to be pathogenic (PMID: 27476653). This variant was observed in 5/113736 chromosomes in the Non-Finnish European population, according to the Genome Aggregation Database (PMID: 32461654). This variant has been reported in ClinVar (Variation ID: 253324). Based on the current evidence available, this variant is interpreted as likely pathogenic.

OMIM
Classification: Pathogenic for FAMILIAL ADENOMATOUS POLYPOSIS 4. Last evaluated: 2016-09-01. Review status: no assertion criteria provided. Collection method: literature only. Allele origin: germline. Not counted in ClinVar's aggregate classification.

Literature cited by the submitters: PubMed 27476653 (cited by 5 submitters); PubMed 37402566 (cited by Labcorp Genetics (formerly Invitae), Labcorp); PubMed 34843512 (cited by Quest Diagnostics Nichols Institute San Juan Capistrano); PubMed 31589614 (cited by Sema4).

NM_002439.5(MSH3):c.2760del (p.Tyr921fs)

Gene: MSH3 (mutS homolog 3; plus strand). Cytogenetic location: 5q14.1.
Variant type: Deletion.
Coding change: c.2760del on transcript NM_002439.5 (MANE Select); coding-DNA position 2760, one base deleted (C; older notation c.2760delC).
Protein change: p.Tyr921fs; shifts the reading frame from tyrosine 921.
Molecular consequence: frameshift variant.
Genome position (GRCh38, 1-based): chr5:80,813,688, C deleted; the last of 2 consecutive C bases (chr5:80,813,687-80,813,688); deleting either gives the same sequence. VCF-style (leftmost placement, unchanged base first): chr5-80813686-TC-T. GRCh37 (hg19) VCF-style: chr5-80109505-TC-T.
Other names: c.2760del (NM_002439.4); short protein forms Y921fs.
Identifiers: ClinVar variation 253324 (VCV000253324.24), dbSNP rs751326348, ClinGen allele CA3328349.